The following is an entry in ClinVar:

ClinVar aggregate classification (germline): Likely pathogenic (1 of 4 stars; one submission).

Conditions:
Hereditary cancer-predisposing syndrome. Also called: Hereditary Cancer Syndrome; Tumor predisposition; Hereditary neoplastic syndrome; Neoplastic Syndromes, Hereditary. Identifiers: Orphanet 140162, MedGen C0027672, MeSH D009386, MONDO:0015356.

Submission:

Ambry Genetics
Classification: Likely pathogenic for Hereditary cancer-predisposing syndrome. Last evaluated: 2026-03-17. Review status: criteria provided, single submitter. Criteria: Ambry Variant Classification Scheme 2023. Collection method: clinical testing. Allele origin: germline.
Comment: The c.1389+4A>C intronic variant results from an A to C substitution 4 nucleotides after coding exon 14 in the RB1 gene. This variant was reported in individuals with features consistent with RB1-related hereditary retinoblastoma (Ambry internal data). This nucleotide position is well conserved in available vertebrate species. In silico splice site analysis predicts that this alteration will weaken the native splice donor site. RNA studies have demonstrated that this alteration results in abnormal splicing in the set of samples tested (Ambry internal data). Based on the majority of available evidence to date, this variant is likely to be pathogenic.

Literature cited by the submitters: PubMed 18449911.

NM_000321.3(RB1):c.1389+4A>C

Gene: RB1 (RB transcriptional corepressor 1; plus strand). Cytogenetic location: 13q14.2.
Variant type: single nucleotide variant.
Coding change: c.1389+4A>C on transcript NM_000321.3 (MANE Select); 4 bases into the intron after coding-DNA position 1389, A replaced by C.
Molecular consequence: intron variant.
Genome position (GRCh38, 1-based): chr13:48,379,654, A>C. VCF-style: chr13-48379654-A-C. GRCh37 (hg19) VCF-style: chr13-48953790-A-C.
Identifiers: ClinVar variation 428701 (VCV000428701.7), dbSNP rs1131690879, ClinGen allele CA645369546.
Genomic context (GRCh38, chr13:48,379,654, plus strand): 5'-CGATACAAACTTGGAGTTCGCTTGTATTACCGAGTAATGGAATCCATGCTTAAATCAGTA[A>C]GTTAAAAACAATATAAAAAAATTTCAGCCGGGCGCGGTGGCTCACGCCTGCAATCCCAGC-3'